The following is an entry in ClinVar:

NM_001330260.2(SCN8A):c.1883G>C (p.Arg628Pro)

Gene: SCN8A (sodium voltage-gated channel alpha subunit 8; plus strand). Cytogenetic location: 12q13.13.
Variant type: single nucleotide variant.
Coding change: c.1883G>C on transcript NM_001330260.2 (MANE Select); coding-DNA position 1883, G replaced by C.
Protein change: p.Arg628Pro; replaces arginine 628 with proline.
Molecular consequence: missense variant.
Genome position (GRCh38, 1-based): chr12:51,721,793, G>C. VCF-style: chr12-51721793-G-C. GRCh37 (hg19) VCF-style: chr12-52115577-G-C.
Other names: c.1883G>C, p.Arg628Pro (NM_001177984.3, NM_001369788.1, NM_014191.4); short protein forms R628P.
Identifiers: ClinVar variation 958966 (VCV000958966.10), dbSNP rs763701191, ClinGen allele CA6571354.
Genomic context (GRCh38, chr12:51,721,793, plus strand): 5'-GCGAGCGCCGGAGCAGCTACAGCGGCTACAGCGGCTACAGCCAGGGCAGCCGCTCCTCGC[G>C]CATCTTCCCCAGCCTGCGGCGCAGCGTGAAGCGCAACAGCACGGTGGACTGCAACGGCGT-3'
Protein context (NP_001317189.1, residues 618-638): SGYSQGSRSS[Arg628Pro]IFPSLRRSVK

ClinVar aggregate classification (germline): Uncertain significance (1 of 4 stars; one submission).

Conditions:
Early-infantile DEE. Also called: Early infantile epileptic encephalopathy; Ohtahara syndrome; Early infantile epileptic encephalopathy with suppression bursts. Identifiers: Orphanet 1934, MedGen C0393706, MONDO:0800491.

Allele frequency attached by ClinVar (database versions not stated): ExAC 0.00001; gnomAD exomes 0.00001.

Submission:

Labcorp Genetics (formerly Invitae), Labcorp
Classification: Uncertain significance for Early-infantile DEE. Last evaluated: 2020-03-06. Review status: criteria provided, single submitter. Criteria: Invitae Variant Classification Sherloc (09022015). Collection method: clinical testing. Allele origin: germline.
Comment: This sequence change replaces arginine with proline at codon 628 of the SCN8A protein (p.Arg628Pro). The arginine residue is highly conserved and there is a moderate physicochemical difference between arginine and proline. In summary, the available evidence is currently insufficient to determine the role of this variant in disease. Therefore, it has been classified as a Variant of Uncertain Significance. Algorithms developed to predict the effect of missense changes on protein structure and function are either unavailable or do not agree on the potential impact of this missense change (SIFT: "Deleterious"; PolyPhen-2: "Probably Damaging"; Align-GVGD: "Class C0"). This variant has not been reported in the literature in individuals with SCN8A-related conditions. This variant is present in population databases (rs763701191, ExAC 0.009%).